The following is an entry in ClinVar:

ClinVar aggregate classification (germline): Benign/Likely benign. Review status: criteria provided, multiple submitters, no conflicts (2 of 4 stars). 3 submissions from 3 submitters: Benign (2); Likely benign (1). Last evaluated 2026-06-01.

Conditions:
Inborn genetic diseases. Identifiers: MedGen C0950123, MeSH D030342.

Submissions (3):

CeGaT Center for Human Genetics Tuebingen
Classification: Likely benign. Last evaluated: 2026-06-01. Review status: criteria provided, single submitter. Criteria: CeGaT Center For Human Genetics Tuebingen Variant Classification Criteria Version 2. Collection method: clinical testing. Allele origin: germline. Affected: yes. Observed: 14 variant alleles.
Comment: NFIA: BP4, BS1

Labcorp Genetics (formerly Invitae), Labcorp
Classification: Benign. Last evaluated: 2024-11-11. Review status: criteria provided, single submitter. Criteria: Invitae Variant Classification Sherloc (09022015). Collection method: clinical testing. Allele origin: germline.

Ambry Genetics
Classification: Benign for Inborn genetic diseases. Last evaluated: 2022-06-13. Review status: criteria provided, single submitter. Criteria: Ambry Variant Classification Scheme 2023. Collection method: clinical testing. Allele origin: germline.

NM_001134673.4(NFIA):c.1255-5_1255-4insTC

Gene: NFIA (nuclear factor I A; plus strand). Cytogenetic location: 1p31.3.
Variant type: Insertion.
Coding change: c.1255-5_1255-4insTC on transcript NM_001134673.4 (MANE Select); 5 bases into the intron before coding-DNA position 1255 through 4 bases into the intron before coding-DNA position 1255, TC inserted.
Molecular consequence: intron variant.
Genome position: GRCh38 VCF-style: chr1-61406556-C-CCT. GRCh37 (hg19) VCF-style: chr1-61872228-C-CCT.
Other names: c.1231-5_1231-4insTC (NM_001145511.2); c.1390-5_1390-4insTC (NM_001145512.2, NM_001145512.1); c.1255-5_1255-4insTC (NM_005595.5).
Identifiers: ClinVar variation 770849 (VCV000770849.34), dbSNP rs1553183289, ClinGen allele CA881250.